The following is an entry in ClinVar:

NM_031448.6(C19orf12):c.325G>A (p.Ala109Thr)

Gene: C19orf12 (chromosome 19 open reading frame 12; minus strand). Cytogenetic location: 19q12.
Variant type: single nucleotide variant.
Coding change: c.325G>A on transcript NM_031448.6 (MANE Select); coding-DNA position 325, G replaced by A.
Protein change: p.Ala109Thr; replaces alanine 109 with threonine.
Molecular consequence: missense variant. On other transcripts: intron variant (1).
Genome position (GRCh38, 1-based): chr19:29,702,813, C>T on the plus strand (G>A on the coding strand, the complement: C19orf12 is on the minus strand). VCF-style: chr19-29702813-C-T. GRCh37 (hg19) VCF-style: chr19-30193720-C-T.
Other names: c.325G>A, p.Ala109Thr (NM_001031726.4, NM_001256047.2); c.133G>A, p.Ala45Thr (NM_001282929.1, NM_001282930.3, NM_001282931.3); c.291-21G>A (NM_001256046.3); short protein forms A109T, A45T.
Identifiers: ClinVar variation 3619708 (VCV003619708.2).

ClinVar aggregate classification (germline): Uncertain significance (1 of 4 stars; one submission).

Conditions:
Hereditary spastic paraplegia 43. Also called: Spastic paraplegia 43, autosomal recessive. Identifiers: Orphanet 320370, MedGen C2680446, MONDO:0014024, OMIM 615043.

Submission:

Labcorp Genetics (formerly Invitae), Labcorp
Classification: Uncertain significance for Hereditary spastic paraplegia 43. Last evaluated: 2024-11-13. Review status: criteria provided, single submitter. Criteria: Invitae Variant Classification Sherloc (09022015). Collection method: clinical testing. Allele origin: germline.
Comment: This sequence change replaces alanine, which is neutral and non-polar, with threonine, which is neutral and polar, at codon 120 of the C19orf12 protein (p.Ala120Thr). This variant is not present in population databases (gnomAD no frequency). This variant has not been reported in the literature in individuals affected with C19orf12-related conditions. An algorithm developed to predict the effect of missense changes on protein structure and function outputs the following: PolyPhen-2: "Benign". The threonine amino acid residue is found in multiple mammalian species, which suggests that this missense change does not adversely affect protein function. In summary, the available evidence is currently insufficient to determine the role of this variant in disease. Therefore, it has been classified as a Variant of Uncertain Significance.